The following is an entry in ClinVar:

ClinVar aggregate classification (germline): Uncertain significance (1 of 4 stars; one submission).

Submission:

Labcorp Genetics (formerly Invitae), Labcorp
Classification: Uncertain significance. Last evaluated: 2022-02-09. Review status: criteria provided, single submitter. Criteria: Invitae Variant Classification Sherloc (09022015). Collection method: clinical testing. Allele origin: germline.
Comment: This sequence change replaces alanine, which is neutral and non-polar, with glycine, which is neutral and non-polar, at codon 1738 of the SNRNP200 protein (p.Ala1738Gly). This variant is not present in population databases (gnomAD no frequency). This variant has not been reported in the literature in individuals affected with SNRNP200-related conditions. Algorithms developed to predict the effect of missense changes on protein structure and function are either unavailable or do not agree on the potential impact of this missense change (SIFT: "Tolerated"; PolyPhen-2: "Probably Damaging"; Align-GVGD: "Class C0"). Algorithms developed to predict the effect of sequence changes on RNA splicing suggest that this variant may create or strengthen a splice site. In summary, the available evidence is currently insufficient to determine the role of this variant in disease. Therefore, it has been classified as a Variant of Uncertain Significance.

NM_014014.5(SNRNP200):c.5213C>G (p.Ala1738Gly)

Genes: SNRNP200 (small nuclear ribonucleoprotein U5 subunit 200; minus strand), LOC126806272 (BRD4-independent group 4 enhancer GRCh37_chr2:96944520-96945719; plus strand). Cytogenetic location: 2q11.2.
Variant type: single nucleotide variant.
Coding change: c.5213C>G on transcript NM_014014.5 (MANE Select); coding-DNA position 5213, C replaced by G.
Protein change: p.Ala1738Gly; replaces alanine 1738 with glycine.
Molecular consequence: missense variant.
Genome position (GRCh38, 1-based): chr2:96,278,919, G>C on the plus strand (C>G on the coding strand, the complement: SNRNP200 is on the minus strand). VCF-style: chr2-96278919-G-C. GRCh37 (hg19) VCF-style: chr2-96944657-G-C.
Other names: short protein forms A1738G.
Identifiers: ClinVar variation 1361114 (VCV001361114.8), dbSNP rs2104333009, ClinGen allele CA347660141.